The following is an entry in ClinVar:

NM_022787.4(NMNAT1):c.827A>T (p.Glu276Val)

Gene: NMNAT1 (nicotinamide nucleotide adenylyltransferase 1; plus strand). Cytogenetic location: 1p36.22.
Variant type: single nucleotide variant.
Coding change: c.827A>T on transcript NM_022787.4 (MANE Select); coding-DNA position 827, A replaced by T.
Protein change: p.Glu276Val; replaces glutamic acid 276 with valine.
Molecular consequence: missense variant.
Genome position (GRCh38, 1-based): chr1:9,982,688, A>T. VCF-style: chr1-9982688-A-T. GRCh37 (hg19) VCF-style: chr1-10042746-A-T.
Other names: c.827A>T, p.Glu276Val (NM_001297778.1); short protein forms E276V.
Identifiers: ClinVar variation 2007319 (VCV002007319.4), dbSNP rs147220828, ClinGen allele CA338687450.

ClinVar aggregate classification (germline): Uncertain significance (1 of 4 stars; one submission).

Conditions:
Leber congenital amaurosis 9 (LCA9). Also called: LCA9 Leber Congenital Amaurosis; LCA 9; Amaurosis congenita of Leber, type 9. Identifiers: Orphanet 65, MedGen C1837873, MONDO:0012056, OMIM 608553.

Submission:

Labcorp Genetics (formerly Invitae), Labcorp
Classification: Uncertain significance for Leber congenital amaurosis 9. Last evaluated: 2022-06-22. Review status: criteria provided, single submitter. Criteria: Invitae Variant Classification Sherloc (09022015). Collection method: clinical testing. Allele origin: germline.
Comment: Algorithms developed to predict the effect of missense changes on protein structure and function (SIFT, PolyPhen-2, Align-GVGD) all suggest that this variant is likely to be tolerated. This sequence change replaces glutamic acid, which is acidic and polar, with valine, which is neutral and non-polar, at codon 276 of the NMNAT1 protein (p.Glu276Val). This variant is not present in population databases (gnomAD no frequency). This variant has not been reported in the literature in individuals affected with NMNAT1-related conditions. In summary, the available evidence is currently insufficient to determine the role of this variant in disease. Therefore, it has been classified as a Variant of Uncertain Significance.